The following is an entry in ClinVar:

ClinVar aggregate classification (germline): Uncertain significance. Review status: criteria provided, multiple submitters, no conflicts (2 of 4 stars). 3 submissions from 3 submitters: Uncertain significance (3). Last evaluated 2023-02-28.

Conditions:
HAMP-related disorder. Also called: HAMP-related condition.
Inborn genetic diseases. Identifiers: MedGen C0950123, MeSH D030342.
Hemochromatosis type 2B (HFE2B). Also called: Juvenile-Onset Hemochromatosis; HAMP-Related Juvenile Hemochromatosis. Identifiers: Orphanet 79230, MedGen C1865616, MONDO:0013220, OMIM 613313.

Allele frequency attached by ClinVar (database versions not stated): ExAC 0.00002; gnomAD exomes 0.00003; TOPMed 0.00006.
gnomAD v4.1: 55 of 1,613,624 alleles (0.0034%); highest among the groups gnomAD compares: Middle Eastern, 0.016%; no homozygotes.

Submissions (3):

Ambry Genetics
Classification: Uncertain significance for Inborn genetic diseases. Last evaluated: 2023-02-28. Review status: criteria provided, single submitter. Criteria: Ambry Variant Classification Scheme 2023. Collection method: clinical testing. Allele origin: germline.

PreventionGenetics, part of Exact Sciences
Classification: Uncertain significance for HAMP-related condition. Last evaluated: 2023-01-06. Review status: criteria provided, single submitter. Criteria: ACMG Guidelines, 2015. Collection method: clinical testing. Allele origin: germline.
Comment: The HAMP c.167G>A variant is predicted to result in the amino acid substitution p.Arg56Gln. To our knowledge, this variant has not been reported in the literature. This variant is reported in 0.0070% of alleles in individuals of European (Non-Finnish) descent in gnomAD. At this time, the clinical significance of this variant is uncertain due to the absence of conclusive functional and genetic evidence.

Illumina Laboratory Services, Illumina
Classification: Uncertain significance for Hemochromatosis type 2B. Last evaluated: 2018-01-13. Review status: criteria provided, single submitter. Criteria: ICSL Variant Classification Criteria 13 December 2019. Collection method: clinical testing. Allele origin: germline.

NM_021175.4(HAMP):c.167G>A (p.Arg56Gln)

Gene: HAMP (hepcidin antimicrobial peptide; plus strand). Cytogenetic location: 19q13.12.
Variant type: single nucleotide variant.
Coding change: c.167G>A on transcript NM_021175.4 (MANE Select); coding-DNA position 167, G replaced by A.
Protein change: p.Arg56Gln; replaces arginine 56 with glutamine.
Molecular consequence: missense variant.
Genome position (GRCh38, 1-based): chr19:35,284,954, G>A. VCF-style: chr19-35284954-G-A. GRCh37 (hg19) VCF-style: chr19-35775857-G-A.
Other names: c.167G>A (NM_021175.3); short protein forms R56Q.
Identifiers: ClinVar variation 891878 (VCV000891878.7), dbSNP rs768566070, ClinGen allele CA9375823.